The following is an entry in ClinVar:

ClinVar aggregate classification (germline): Pathogenic. Review status: criteria provided, multiple submitters, no conflicts (2 of 4 stars). 3 submissions from 3 submitters: Pathogenic (3). Last evaluated 2024-10-10.

Conditions:
Intellectual developmental disorder, autosomal recessive 13. Also called: Intellectual disability, autosomal recessive 13. Identifiers: Orphanet 88616, MedGen C2750791, MONDO:0013173, OMIM 613192.
TRAPPC9-related disorder. Also called: TRAPPC9-related condition.

Allele frequency attached by ClinVar (database versions not stated): gnomAD exomes below 0.00001; gnomAD 0.00001.
gnomAD v4.1: 4 of 1,613,986 alleles (0.00025%); highest among the groups gnomAD compares: South Asian, 0.0022%; no homozygotes.

Submissions (3):

Labcorp Genetics (formerly Invitae), Labcorp
Classification: Pathogenic. Last evaluated: 2024-10-10. Review status: criteria provided, single submitter. Criteria: Invitae Variant Classification Sherloc (09022015). Collection method: clinical testing. Allele origin: germline.
Comment: This sequence change creates a premature translational stop signal (p.Arg712*) in the TRAPPC9 gene. It is expected to result in an absent or disrupted protein product. Loss-of-function variants in TRAPPC9 are known to be pathogenic (PMID: 2000476, 20004763, 20004764). This variant is not present in population databases (gnomAD no frequency). This premature translational stop signal has been observed in individual(s) with TRAPPC9-related conditions (PMID: 29187737). In at least one individual the data is consistent with being in trans (on the opposite chromosome) from a pathogenic variant. ClinVar contains an entry for this variant (Variation ID: 1709594). For these reasons, this variant has been classified as Pathogenic.

Blueprint Genetics
Classification: Pathogenic for TRAPPC9-related disorders. Last evaluated: 2023-02-15. Review status: criteria provided, single submitter. Criteria: ACMG Guidelines, 2015. Collection method: clinical testing. Allele origin: germline. Affected: yes. Observed: 1 variant allele.

MGZ Medical Genetics Center
Classification: Pathogenic for Intellectual developmental disorder, autosomal recessive 13. Last evaluated: 2022-06-27. Review status: criteria provided, single submitter. Criteria: ACMG Guidelines, 2015. Collection method: clinical testing. Allele origin: germline. Affected: yes. Observed: 2 variant alleles.
Comment: ACMG criteria applied: PVS1, PM3, PS4_SUP, PM2_SUP

Literature cited by the submitters: PubMed 2000476 (cited by Labcorp Genetics (formerly Invitae), Labcorp); PubMed 20004763 (cited by Labcorp Genetics (formerly Invitae), Labcorp); PubMed 20004764 (cited by Labcorp Genetics (formerly Invitae), Labcorp); PubMed 29187737 (cited by Labcorp Genetics (formerly Invitae), Labcorp).

NM_001160372.4(TRAPPC9):c.1840C>T (p.Arg614Ter)

Gene: TRAPPC9 (trafficking protein particle complex subunit 9; minus strand). Cytogenetic location: 8q24.3.
Variant type: single nucleotide variant.
Coding change: c.1840C>T on transcript NM_001160372.4 (MANE Select); coding-DNA position 1840, C replaced by T.
Protein change: p.Arg614Ter; replaces arginine 614 with a stop codon.
Molecular consequence: nonsense. On other transcripts: non-coding transcript variant (1).
Genome position (GRCh38, 1-based): chr8:140,291,007, G>A on the plus strand (C>T on the coding strand, the complement: TRAPPC9 is on the minus strand). VCF-style: chr8-140291007-G-A. GRCh37 (hg19) VCF-style: chr8-141301106-G-A.
Other names: c.1813C>T, p.Arg605Ter (NM_001321646.2); c.1861C>T, p.Arg621Ter (NM_001374682.1); c.1840C>T, p.Arg614Ter (NM_001374683.1, NM_031466.8); c.1696C>T, p.Arg566Ter (NM_001374684.1); short protein forms R566*, R605*, R614*, R621*.
Identifiers: ClinVar variation 1709594 (VCV001709594.5), dbSNP rs2065638761, ClinGen allele CA372315571.
Genomic context (GRCh38, chr8:140,291,007, plus strand): 5'-AGTTTGTATGTTAGCCCAAAAAGGTCAAATGATTGGTGATACATACCATGTTTTCAACTC[G>A]AAGTTCAAACGGCATTGGGTTATATACCATCAGCTGAACTTCACACACATCTCCTTGAAC-3'